The following is an entry in ClinVar:

NM_020166.5(MCCC1):c.1869+2T>C

Gene: MCCC1 (methylcrotonyl-CoA carboxylase subunit 1; minus strand). Cytogenetic location: 3q27.1.
Variant type: single nucleotide variant.
Coding change: c.1869+2T>C on transcript NM_020166.5 (MANE Select); the canonical splice donor site of the intron after coding-DNA position 1869, T replaced by C.
Molecular consequence: splice donor variant.
Genome position (GRCh38, 1-based): chr3:183,022,415, A>G on the plus strand (T>C on the coding strand, the complement: MCCC1 is on the minus strand). VCF-style: chr3-183022415-A-G. GRCh37 (hg19) VCF-style: chr3-182740203-A-G.
Other names: c.1542+2T>C (NM_001363880.1); c.1518+2T>C (NM_001293273.2).
Identifiers: ClinVar variation 4292847 (VCV004292847.1).
Genomic context (GRCh38, chr3:183,022,415, plus strand): 5'-GTCTCTGGTCAAACAGTTTTCTCCCATGCCCCAGGAGGGATATTATAAAGAAGAGACATT[A>G]CCTTGGAAAATAGGTAAATAGTGTTTTCCAGGATAATCAGCTTCGCTTTACTAGCAACTC-3'

ClinVar aggregate classification (germline): Pathogenic (1 of 4 stars; one submission).

Conditions:
3-methylcrotonyl-CoA carboxylase 1 deficiency (MCC1D). Also called: MCCD TYPE 1; METHYLCROTONYLGLYCINURIA TYPE I; MCC 1 deficiency; 3 Alpha methylcrotonylglycinuria 1. Identifiers: Orphanet 6, MedGen CN028786, MONDO:0008861, OMIM 210200.

gnomAD v4.1: 1 of 1,614,080 alleles (0.000062%); highest among the groups gnomAD compares: South Asian, 0.0011%; no homozygotes.

Submission:

3billion
Classification: Pathogenic for 3-methylcrotonyl-CoA carboxylase 1 deficiency. Last evaluated: 2025-02-03. Review status: criteria provided, single submitter. Criteria: ACMG Guidelines, 2015. Collection method: clinical testing. Allele origin: germline. Affected: yes.
Comment: The variant is observed at an extremely low frequency in the gnomAD v4.1.0 dataset (total allele frequency: <0.001%). Predicted Consequence/Location: Canonical splice site: predicted to alter splicing and result in a loss or disruption of normal protein function. Multiple pathogenic loss-of-function variants are reported downstream of the variant. Prediction of the variant In silico tools to alter splicing and produce an abnormal transcript is uncertain [SpliceAI: 0.17 (spliceogenicity >=0.2, non-spliceogenicity <0.1)]. Therefore, this variant is classified as Pathogenic according to the recommendation of ACMG/AMP guideline.